The following is an entry in ClinVar:

NM_006946.4(SPTBN2):c.657-5C>G

Gene: SPTBN2 (spectrin beta, non-erythrocytic 2; minus strand). Cytogenetic location: 11q13.2.
Variant type: single nucleotide variant.
Coding change: c.657-5C>G on transcript NM_006946.4 (MANE Select); 5 bases into the intron before coding-DNA position 657, C replaced by G.
Molecular consequence: intron variant.
Genome position (GRCh38, 1-based): chr11:66,713,751, G>C on the plus strand (C>G on the coding strand, the complement: SPTBN2 is on the minus strand). VCF-style: chr11-66713751-G-C. GRCh37 (hg19) VCF-style: chr11-66481222-G-C.
Other names: c.678-5C>G (NM_001411025.1).
Identifiers: ClinVar variation 2736534 (VCV002736534.3), dbSNP rs1942001316, ClinGen allele CA2697548774.

ClinVar aggregate classification (germline): Uncertain significance (1 of 4 stars; one submission).

Submission:

Labcorp Genetics (formerly Invitae), Labcorp
Classification: Uncertain significance. Last evaluated: 2023-07-07. Review status: criteria provided, single submitter. Criteria: Invitae Variant Classification Sherloc (09022015). Collection method: clinical testing. Allele origin: germline.
Comment: This sequence change falls in intron 6 of the SPTBN2 gene. It does not directly change the encoded amino acid sequence of the SPTBN2 protein. This variant is not present in population databases (gnomAD no frequency). This variant has not been reported in the literature in individuals affected with SPTBN2-related conditions. Algorithms developed to predict the effect of sequence changes on RNA splicing suggest that this variant may disrupt the consensus splice site. In summary, the available evidence is currently insufficient to determine the role of this variant in disease. Therefore, it has been classified as a Variant of Uncertain Significance.